The following is an entry in ClinVar:

NM_005687.5(FARSB):c.280C>T (p.Pro94Ser)

Gene: FARSB (phenylalanyl-tRNA synthetase subunit beta; minus strand). Cytogenetic location: 2q36.1.
Variant type: single nucleotide variant.
Coding change: c.280C>T on transcript NM_005687.5 (MANE Select); coding-DNA position 280, C replaced by T.
Protein change: p.Pro94Ser; replaces proline 94 with serine.
Molecular consequence: missense variant. On other transcripts: non-coding transcript variant (1).
Genome position (GRCh38, 1-based): chr2:222,640,921, G>A on the plus strand (C>T on the coding strand, the complement: FARSB is on the minus strand). VCF-style: chr2-222640921-G-A. GRCh37 (hg19) VCF-style: chr2-223505640-G-A.
Other names: c.280C>T (NM_005687.3); short protein forms P94S.
Identifiers: ClinVar variation 2190884 (VCV002190884.5), dbSNP rs139430746, ClinGen allele CA2136705.

ClinVar aggregate classification (germline): Uncertain significance. Review status: criteria provided, multiple submitters, no conflicts (2 of 4 stars). 2 submissions from 2 submitters: Uncertain significance (2). Last evaluated 2023-12-15.

Conditions:
Inborn genetic diseases. Identifiers: MedGen C0950123, MeSH D030342.

Allele frequency attached by ClinVar (database versions not stated): ExAC 0.00003; ESP Exome Variant Server 0.00008; gnomAD 0.00009; TOPMed 0.00012.
gnomAD v4.1: 22 of 1,498,604 alleles (0.0015%); highest among the groups gnomAD compares: African/African-American, 0.018%; no homozygotes.

Submissions (2):

Ambry Genetics
Classification: Uncertain significance for Inborn genetic diseases. Last evaluated: 2023-12-15. Review status: criteria provided, single submitter. Criteria: Ambry Variant Classification Scheme 2023. Collection method: clinical testing. Allele origin: germline.

Labcorp Genetics (formerly Invitae), Labcorp
Classification: Uncertain significance. Last evaluated: 2022-06-19. Review status: criteria provided, single submitter. Criteria: Invitae Variant Classification Sherloc (09022015). Collection method: clinical testing. Allele origin: germline.
Comment: This sequence change replaces proline, which is neutral and non-polar, with serine, which is neutral and polar, at codon 94 of the FARSB protein (p.Pro94Ser). This variant is present in population databases (rs139430746, gnomAD 0.02%). This variant has not been reported in the literature in individuals affected with FARSB-related conditions. Algorithms developed to predict the effect of missense changes on protein structure and function (SIFT, PolyPhen-2, Align-GVGD) all suggest that this variant is likely to be disruptive. In summary, the available evidence is currently insufficient to determine the role of this variant in disease. Therefore, it has been classified as a Variant of Uncertain Significance.